The following is an entry in ClinVar:

NM_014946.4(SPAST):c.1536+3A>G

Gene: SPAST (spastin; plus strand). Cytogenetic location: 2p22.3.
Variant type: single nucleotide variant.
Coding change: c.1536+3A>G on transcript NM_014946.4 (MANE Select); 3 bases into the intron after coding-DNA position 1536, A replaced by G.
Molecular consequence: intron variant.
Genome position (GRCh38, 1-based): chr2:32,141,949, A>G. VCF-style: chr2-32141949-A-G. GRCh37 (hg19) VCF-style: chr2-32367018-A-G.
Other names: c.1533+3A>G (NM_001363823.2); c.1437+3A>G (NM_001363875.2); c.1440+3A>G (NM_199436.2, NM_001377959.1).
Identifiers: ClinVar variation 2572064 (VCV002572064.3), dbSNP rs2465896658, ClinGen allele CA2697547954.
Genomic context (GRCh38, chr2:32,141,949, plus strand): 5'-GATTTTTTTTTTTAGGCGTTTCATCAAACGGGTATATGTGTCTTTACCAAATGAGGAGGT[A>G]TGTATCTGTGTTTGAATTTTTTTTGTTTTAGAGCAGAAACAAGAACTACCATCTTGACAA-3'

ClinVar aggregate classification (germline): Likely pathogenic (1 of 4 stars; one submission).

Conditions:
Hereditary spastic paraplegia 4. Also called: Spastic Paraplegia 4; Familial spastic paraplegia autosomal dominant 2; Spastic paraplegia 4, autosomal dominant. Identifiers: Orphanet 100985, MedGen C1866855, MONDO:0008438, OMIM 182601.

Submission:

Uffe Birk Jensen Lab, Aarhus University Hospital
Classification: Likely pathogenic for Hereditary spastic paraplegia 4. Last evaluated: 2023-07-10. Review status: criteria provided, single submitter. Criteria: ACMG Guidelines, 2015. Collection method: clinical testing, in vivo. Allele origin: germline. Affected: yes. Observed: 1 heterozygote. Functional consequence: splice_donor_variant_NMD_triggering.
Comment: The intronic variant is absent from control databases. Multiple in silico tools predict a potential loss of the natural splice donor site after exon 13 (NM_014946.4). RNA-Seq in patient fibroblasts was abnormal due to a high frequency of exon-skipping; allelic expression analysis indicated approximately 23% relative splicing activity compared to the wildtype allele.

Literature cited by the submitters: PubMed 38272032.